The following is an entry in ClinVar:

NM_001130438.3(SPTAN1):c.2752T>C (p.Tyr918His)

Gene: SPTAN1 (spectrin alpha, non-erythrocytic 1; plus strand). Cytogenetic location: 9q34.11.
Variant type: single nucleotide variant.
Coding change: c.2752T>C on transcript NM_001130438.3 (MANE Select); coding-DNA position 2752, T replaced by C.
Protein change: p.Tyr918His; replaces tyrosine 918 with histidine.
Molecular consequence: missense variant.
Genome position (GRCh38, 1-based): chr9:128,585,939, T>C. VCF-style: chr9-128585939-T-C. GRCh37 (hg19) VCF-style: chr9-131348218-T-C.
Other names: c.2752T>C, p.Tyr918His (NM_001195532.2, NM_001363759.2, NM_001363765.2 and 5 more transcripts); c.2788T>C, p.Tyr930His (NM_001375312.2, NM_001375318.1); short protein forms Y918H, Y930H.
Identifiers: ClinVar variation 1307949 (VCV001307949.2), dbSNP rs1589224403, ClinGen allele CA375058542.

ClinVar aggregate classification (germline): Uncertain significance (1 of 4 stars; one submission).

Submission:

GeneDx
Classification: Uncertain significance. Last evaluated: 2019-08-19. Review status: criteria provided, single submitter. Criteria: GeneDx Variant Classification Process June 2021. Collection method: clinical testing. Allele origin: germline. Affected: yes.
Comment: Not observed in large population cohorts (Lek et al., 2016); In silico analysis, which includes protein predictors and evolutionary conservation, supports a deleterious effect; Has not been previously published as pathogenic or benign to our knowledge